The following is an entry in ClinVar:

NM_002335.4(LRP5):c.524G>A (p.Arg175Gln)

Gene: LRP5 (LDL receptor related protein 5; plus strand). Cytogenetic location: 11q13.2.
Variant type: single nucleotide variant.
Coding change: c.524G>A on transcript NM_002335.4 (MANE Select); coding-DNA position 524, G replaced by A.
Protein change: p.Arg175Gln; replaces arginine 175 with glutamine.
Molecular consequence: missense variant. On other transcripts: 5 prime UTR variant (1).
Genome position (GRCh38, 1-based): chr11:68,357,685, G>A. VCF-style: chr11-68357685-G-A. GRCh37 (hg19) VCF-style: chr11-68125153-G-A.
Other names: c.-1242G>A (NM_001291902.2); c.524G>A (NM_002335.3); short protein forms R175Q.
Identifiers: ClinVar variation 3539713 (VCV003539713.5).

ClinVar aggregate classification (germline): Uncertain significance. Review status: criteria provided, multiple submitters, no conflicts (2 of 4 stars). 4 submissions from 4 submitters: Uncertain significance (4). Last evaluated 2026-03-17.

Conditions:
Inborn genetic diseases. Identifiers: MedGen C0950123, MeSH D030342.
LRP5-related disorder. Also called: LRP5-related condition.

gnomAD v4.1: 30 of 1,613,998 alleles (0.0019%); highest among the groups gnomAD compares: Middle Eastern, 0.016%; no homozygotes.

Submissions (4):

PreventionGenetics, part of Exact Sciences
Classification: Uncertain significance for LRP5-related condition. Last evaluated: 2026-03-17. Review status: criteria provided, single submitter. Criteria: ACMG Guidelines, 2015. Collection method: clinical testing. Allele origin: germline.
Comment: The LRP5 c.524G>A variant is predicted to result in the amino acid substitution p.Arg175Gln. To our knowledge, this variant has not been reported in the literature. This variant is present in 0.0058% of alleles in individuals of Latino descent in gnomAD. At this time, the clinical significance of this variant is uncertain due to the absence of conclusive functional and genetic evidence.

Ambry Genetics
Classification: Uncertain significance for Inborn genetic diseases. Last evaluated: 2024-08-26. Review status: criteria provided, single submitter. Criteria: Ambry Variant Classification Scheme 2023. Collection method: clinical testing. Allele origin: germline.

Labcorp Genetics (formerly Invitae), Labcorp
Classification: Uncertain significance. Last evaluated: 2024-07-01. Review status: criteria provided, single submitter. Criteria: Invitae Variant Classification Sherloc (09022015). Collection method: clinical testing. Allele origin: germline.
Comment: This sequence change replaces arginine, which is basic and polar, with glutamine, which is neutral and polar, at codon 175 of the LRP5 protein (p.Arg175Gln). This variant is present in population databases (rs774164233, gnomAD 0.006%). This variant has not been reported in the literature in individuals affected with LRP5-related conditions. Advanced modeling of protein sequence and biophysical properties (such as structural, functional, and spatial information, amino acid conservation, physicochemical variation, residue mobility, and thermodynamic stability) has been performed at Invitae for this missense variant, however the output from this modeling did not meet the statistical confidence thresholds required to predict the impact of this variant on LRP5 protein function. In summary, the available evidence is currently insufficient to determine the role of this variant in disease. Therefore, it has been classified as a Variant of Uncertain Significance.

Blueprint Genetics
Classification: Uncertain significance. Last evaluated: 2023-12-29. Review status: criteria provided, single submitter. Criteria: ACMG Guidelines, 2015. Collection method: clinical testing. Allele origin: germline.